The following is an entry in ClinVar:

ClinVar aggregate classification (germline): Conflicting classifications of pathogenicity. Review status: criteria provided, conflicting classifications (1 of 4 stars). 3 submissions from 3 submitters: Uncertain significance (2); Likely benign (1). Last evaluated 2025-11-19.

Conditions:
Inborn genetic diseases. Identifiers: MedGen C0950123, MeSH D030342.

Allele frequency attached by ClinVar (database versions not stated): gnomAD 0.00005; TOPMed 0.00005.
gnomAD v4.1: 97 of 1,610,938 alleles (0.006%); highest among the groups gnomAD compares: Admixed American, 0.028%; no homozygotes.

Submissions (3):

Ambry Genetics
Classification: Uncertain significance for Inborn genetic diseases. Last evaluated: 2025-11-19. Review status: criteria provided, single submitter. Criteria: Ambry Variant Classification Scheme 2023. Collection method: clinical testing. Allele origin: germline.

CeGaT Center for Human Genetics Tuebingen
Classification: Likely benign. Last evaluated: 2022-10-01. Review status: criteria provided, single submitter. Criteria: CeGaT Center For Human Genetics Tuebingen Variant Classification Criteria Version 2. Collection method: clinical testing. Allele origin: germline. Affected: yes. Observed: 1 variant allele.
Comment: LAMA5: BP4

Labcorp Genetics (formerly Invitae), Labcorp
Classification: Uncertain significance. Last evaluated: 2022-02-03. Review status: criteria provided, single submitter. Criteria: Invitae Variant Classification Sherloc (09022015). Collection method: clinical testing. Allele origin: germline.
Comment: This sequence change replaces alanine, which is neutral and non-polar, with threonine, which is neutral and polar, at codon 1329 of the LAMA5 protein (p.Ala1329Thr). This variant is present in population databases (rs772823363, gnomAD 0.04%). This variant has not been reported in the literature in individuals affected with LAMA5-related conditions. Algorithms developed to predict the effect of missense changes on protein structure and function (SIFT, PolyPhen-2, Align-GVGD) all suggest that this variant is likely to be tolerated. In summary, the available evidence is currently insufficient to determine the role of this variant in disease. Therefore, it has been classified as a Variant of Uncertain Significance.

NM_005560.6(LAMA5):c.3985G>A (p.Ala1329Thr)

Gene: LAMA5 (laminin subunit alpha 5; minus strand). Cytogenetic location: 20q13.33.
Variant type: single nucleotide variant.
Coding change: c.3985G>A on transcript NM_005560.6 (MANE Select); coding-DNA position 3985, G replaced by A.
Protein change: p.Ala1329Thr; replaces alanine 1329 with threonine.
Molecular consequence: missense variant.
Genome position (GRCh38, 1-based): chr20:62,329,911, C>T on the plus strand (G>A on the coding strand, the complement: LAMA5 is on the minus strand). VCF-style: chr20-62329911-C-T. GRCh37 (hg19) VCF-style: chr20-60904967-C-T.
Other names: short protein forms A1329T.
Identifiers: ClinVar variation 2083195 (VCV002083195.28), dbSNP rs772823363, ClinGen allele CA9942764.